The following is an entry in ClinVar:

ClinVar aggregate classification (germline): Likely benign (1 of 4 stars; one submission).

Submission:

CeGaT Center for Human Genetics Tuebingen
Classification: Likely benign. Last evaluated: 2025-04-01. Review status: criteria provided, single submitter. Criteria: CeGaT Center For Human Genetics Tuebingen Variant Classification Criteria Version 2. Collection method: clinical testing. Allele origin: germline. Affected: yes. Observed: 1 variant allele.
Comment: ANK2: PM2:Supporting, BP4, BP7

NM_001148.6(ANK2):c.1797G>T (p.Pro599=)

Gene: ANK2 (ankyrin 2; plus strand). Cytogenetic location: 4q26.
Variant type: single nucleotide variant.
Coding change: c.1797G>T on transcript NM_001148.6 (MANE Select); coding-DNA position 1797, G replaced by T.
Protein change: p.Pro599=; no amino-acid change (proline 599 retained).
Molecular consequence: synonymous variant. On other transcripts: intron variant (10).
Genome position (GRCh38, 1-based): chr4:113,278,474, G>T. VCF-style: chr4-113278474-G-T. GRCh37 (hg19) VCF-style: chr4-114199630-G-T.
Other names: c.1824G>T, p.Pro608= (NM_001386175.1); c.1785G>T, p.Pro595= (NM_001386186.2, NM_001386148.2); c.1761G>T, p.Pro587= (NM_001386187.2); c.1797G>T, p.Pro599= (NM_020977.5, NM_001354225.2, NM_001354228.2 and 6 more transcripts); c.1719+539G>T (NM_001354253.2, NM_001354270.2, NM_001354257.2 and 1 more transcripts); c.1695+539G>T (NM_001386151.1, NM_001354260.2, NM_001354271.2); c.1497+539G>T (NM_001386158.1); c.1782+539G>T (NM_001354245.2, NM_001354268.2); and 8 more.
Identifiers: ClinVar variation 3898661 (VCV003898661.7).